The following is an entry in ClinVar:

NM_000038.6(APC):c.1639del (p.Val547fs)

Gene: APC (APC regulator of Wnt signaling pathway; plus strand). Cytogenetic location: 5q22.2.
Variant type: Deletion.
Coding change: c.1639del on transcript NM_000038.6 (MANE Select); coding-DNA position 1639, one base deleted (G; older notation c.1639delG).
Protein change: p.Val547fs; shifts the reading frame from valine 547.
Molecular consequence: frameshift variant.
Genome position (GRCh38, 1-based): chr5:112,828,868, G deleted. VCF-style (leftmost placement, unchanged base first): chr5-112828867-TG-T. GRCh37 (hg19) VCF-style: chr5-112164564-TG-T.
Other names: c.1639del, p.Val547fs (NM_001127510.3, NM_001354895.2, NM_001407450.1); c.1585del, p.Val529fs (NM_001127511.3); c.1693del, p.Val565fs (NM_001354896.2, NM_001407447.1, NM_001407448.1 and 1 more transcripts); c.1669del, p.Val557fs (NM_001354897.2); c.1564del, p.Val522fs (NM_001354898.2); c.1555del, p.Val519fs (NM_001354899.2); c.1516del, p.Val506fs (NM_001354900.2); c.1462del, p.Val488fs (NM_001354901.2, NM_001407453.1); and 11 more; short protein forms V163fs, V264fs, V387fs, V418fs, V421fs, V446fs, V456fs, V464fs.
Identifiers: ClinVar variation 2584015 (VCV002584015.2), dbSNP rs2533241308, ClinGen allele CA2582341387.
Genomic context (GRCh38, chr5:112,828,867, plus strand): 5'-ACTAGTATGATTTTATGTATAAATTAATCTAAAATTGATTAATTTGCAGGTTATTGCGAG[TG>T]TTTTGAGGAATTTGTCTTGGCGAGCAGATGTAAATAGTAAAAAGACGTTGCGAGAAGTTG-3'

ClinVar aggregate classification (germline): Pathogenic (1 of 4 stars; one submission).

Conditions:
Familial adenomatous polyposis 1 (FAP1). Also called: FAMILIAL ADENOMATOUS POLYPOSIS 1, ATTENUATED; POLYPOSIS, ADENOMATOUS INTESTINAL. Identifiers: MedGen C2713442, MONDO:0021056, OMIM 175100. Disease mechanism: loss of function.

Submission:

Myriad Genetics, Inc.
Classification: Pathogenic for Familial adenomatous polyposis 1. Last evaluated: 2023-05-02. Review status: criteria provided, single submitter. Criteria: Myriad Autosomal Dominant, Autosomal Recessive and X-Linked Classification Criteria (2023). Collection method: clinical testing. Allele origin: unknown.
Comment: This variant is considered pathogenic. This variant creates a frameshift predicted to result in premature protein truncation.